The following is an entry in ClinVar:

ClinVar aggregate classification (germline): Likely benign (1 of 4 stars; one submission).

Allele frequency attached by ClinVar (database versions not stated): gnomAD exomes 0.00031; ExAC 0.00045; ESP Exome Variant Server 0.00054; gnomAD 0.00075; 1000 Genomes Project 30x 0.00078; TOPMed 0.00081; 1000 Genomes Project 0.00100.
gnomAD v4.1: 586 of 1,614,166 alleles (0.036%); highest among the groups gnomAD compares: Middle Eastern, 0.28%; 1 homozygote.

Submission:

CeGaT Center for Human Genetics Tuebingen
Classification: Likely benign. Last evaluated: 2023-01-01. Review status: criteria provided, single submitter. Criteria: CeGaT Center For Human Genetics Tuebingen Variant Classification Criteria Version 2. Collection method: clinical testing. Allele origin: germline. Affected: yes. Observed: 1 variant allele.
Comment: TREM1: BP4, BP7

NM_018643.5(TREM1):c.216G>A (p.Arg72=)

Gene: TREM1 (triggering receptor expressed on myeloid cells 1; minus strand). Cytogenetic location: 6p21.1.
Variant type: single nucleotide variant.
Coding change: c.216G>A on transcript NM_018643.5 (MANE Select); coding-DNA position 216, G replaced by A.
Protein change: p.Arg72=; no amino-acid change (arginine 72 retained).
Molecular consequence: synonymous variant. On other transcripts: non-coding transcript variant (1).
Genome position (GRCh38, 1-based): chr6:41,282,585, C>T on the plus strand (G>A on the coding strand, the complement: TREM1 is on the minus strand). VCF-style: chr6-41282585-C-T. GRCh37 (hg19) VCF-style: chr6-41250323-C-T.
Other names: c.216G>A, p.Arg72= (NM_001242589.3, NM_001242590.3).
Identifiers: ClinVar variation 2656544 (VCV002656544.24), dbSNP rs2234238, ClinGen allele CA3799809.
Genomic context (GRCh38, chr6:41,282,585, plus strand): 5'-ATCATGGTAGTCTTCTAGTATGATCCTCCCCACTTGGACTGGATGGGAATTCTTTGAAGG[C>T]CTCTCTGTGCATGCCAGGGTCTTGGGCATCTCTCCGTCCCTTATTATCTGCCAAGCTTTC-3'
Protein context (NP_061113.1, residues 62-82): EMPKTLACTE[Arg72=]PSKNSHPVQV